The following is an entry in ClinVar:

ClinVar aggregate classification (germline): Benign/Likely benign. Review status: criteria provided, multiple submitters, no conflicts (2 of 4 stars). 3 submissions from 3 submitters: Benign (1); Likely benign (1). 1 of the submissions does not count toward it. Last evaluated 2024-05-08.

Conditions:
SOX11-related disorder. Also called: SOX11-related condition.

Allele frequency attached by ClinVar (database versions not stated): gnomAD exomes 0.00005; gnomAD 0.00008; TOPMed 0.00008; ExAC 0.00021; 1000 Genomes Project 0.00120; 1000 Genomes Project 30x 0.00125.
gnomAD v4.1: 82 of 1,614,096 alleles (0.0051%); highest among the groups gnomAD compares: East Asian, 0.17%; no homozygotes.

Submissions (3):

Blueprint Genetics
Classification: Likely benign. Last evaluated: 2024-05-08. Review status: criteria provided, single submitter. Criteria: ACMG Guidelines, 2015. Collection method: clinical testing. Allele origin: germline.

Labcorp Genetics (formerly Invitae), Labcorp
Classification: Benign. Last evaluated: 2024-02-23. Review status: criteria provided, single submitter. Criteria: Invitae Variant Classification Sherloc (09022015). Collection method: clinical testing. Allele origin: germline.

PreventionGenetics, part of Exact Sciences
Classification: Likely benign for SOX11-related condition. Last evaluated: 2019-05-24. Review status: no assertion criteria provided. Collection method: clinical testing. Allele origin: germline. Not counted in ClinVar's aggregate classification.
Comment: This variant is classified as likely benign based on ACMG/AMP sequence variant interpretation guidelines (Richards et al. 2015 PMID: 25741868, with internal and published modifications).

NM_003108.4(SOX11):c.339C>T (p.Tyr113=)

Gene: SOX11 (SRY-box transcription factor 11; plus strand). Cytogenetic location: 2p25.2.
Variant type: single nucleotide variant.
Coding change: c.339C>T on transcript NM_003108.4 (MANE Select); coding-DNA position 339, C replaced by T.
Protein change: p.Tyr113=; no amino-acid change (tyrosine 113 retained).
Molecular consequence: synonymous variant.
Genome position (GRCh38, 1-based): chr2:5,693,060, C>T. VCF-style: chr2-5693060-C-T. GRCh37 (hg19) VCF-style: chr2-5833192-C-T.
Other names: c.339C>T (NM_003108.3).
Identifiers: ClinVar variation 3020721 (VCV003020721.6), dbSNP rs369715110, ClinGen allele CA1517820.
Genomic context (GRCh38, chr2:5,693,060, plus strand): 5'-CGAGAAGATCCCGTTCATCCGGGAGGCGGAGCGGCTGCGGCTCAAGCACATGGCCGACTA[C>T]CCCGACTACAAGTACCGGCCCCGGAAAAAGCCCAAAATGGACCCCTCGGCCAAGCCCAGC-3'
Protein context (NP_003099.1, residues 103-123): ERLRLKHMAD[Tyr113=]PDYKYRPRKK